The following is an entry in ClinVar:

ClinVar aggregate classification (germline): Likely benign. Review status: criteria provided, multiple submitters, no conflicts (2 of 4 stars). 3 submissions from 3 submitters: Likely benign (3). Last evaluated 2025-10-22.

Conditions:
Hereditary cancer-predisposing syndrome. Also called: Neoplastic Syndromes, Hereditary; Tumor predisposition; Hereditary neoplastic syndrome; Hereditary Cancer Syndrome. Identifiers: Orphanet 140162, MedGen C0027672, MeSH D009386, MONDO:0015356.

Submissions (3):

Mayo Clinic Laboratories, Mayo Clinic
Classification: Likely benign. Last evaluated: 2025-10-22. Review status: criteria provided, single submitter. Criteria: ACMG Guidelines, 2015. Collection method: clinical testing. Allele origin: germline. Observed: 1 variant allele.
Comment: BP4, BP7, PM2_supporting

Color Diagnostics, LLC DBA Color Health
Classification: Likely benign for Hereditary cancer-predisposing syndrome. Last evaluated: 2018-08-30. Review status: criteria provided, single submitter. Criteria: ACMG Guidelines, 2015. Collection method: clinical testing. Allele origin: germline.

Ambry Genetics
Classification: Likely benign for Hereditary cancer-predisposing syndrome. Last evaluated: 2016-11-04. Review status: criteria provided, single submitter. Criteria: Ambry Variant Classification Scheme 2023. Collection method: clinical testing. Allele origin: germline.

NM_000051.4(ATM):c.390T>C (p.Asp130=)

Gene: ATM (ATM serine/threonine kinase; plus strand). Cytogenetic location: 11q22.3.
Variant type: single nucleotide variant.
Coding change: c.390T>C on transcript NM_000051.4 (MANE Select); coding-DNA position 390, T replaced by C.
Protein change: p.Asp130=; no amino-acid change (aspartic acid 130 retained).
Molecular consequence: synonymous variant.
Genome position (GRCh38, 1-based): chr11:108,235,728, T>C. VCF-style: chr11-108235728-T-C. GRCh37 (hg19) VCF-style: chr11-108106455-T-C.
Other names: p.Asp130=; c.390T>C, p.Asp130= (NM_001351834.2).
Identifiers: ClinVar variation 629160 (VCV000629160.5), dbSNP rs1565356801, ClinGen allele CA476670367.
Genomic context (GRCh38, chr11:108,235,728, plus strand): 5'-AGGAGCACCTAGGCTAAAATGTCAAGAACTCTTAAATTATATCATGGATACAGTGAAAGA[T>C]TCATCTAATGGTGCTATTTACGGAGCTGATTGTAGCAACATACTACTCAAAGACATTCTT-3'
Protein context (NP_000042.3, residues 120-140): LLNYIMDTVK[Asp130=]SSNGAIYGAD